The following is an entry in ClinVar:

ClinVar aggregate classification (germline): Likely benign. Review status: criteria provided, multiple submitters, no conflicts (2 of 4 stars). 2 submissions from 2 submitters: Likely benign (2). Last evaluated 2025-10-06.

Conditions:
MAK-related disorder. Also called: MAK-related condition.

Allele frequency attached by ClinVar (database versions not stated): gnomAD exomes below 0.00001; gnomAD 0.00001; TOPMed 0.00003.
gnomAD v4.1: 8 of 1,613,936 alleles (0.0005%); highest among the groups gnomAD compares: African/African-American, 0.0067%; no homozygotes.

Submissions (2):

Labcorp Genetics (formerly Invitae), Labcorp
Classification: Likely benign. Last evaluated: 2025-10-06. Review status: criteria provided, single submitter. Criteria: Invitae Variant Classification Sherloc (09022015). Collection method: clinical testing. Allele origin: germline.

PreventionGenetics, part of Exact Sciences
Classification: Likely benign for MAK-related condition. Last evaluated: 2025-02-24. Review status: criteria provided, single submitter. Criteria: ACMG Guidelines, 2015. Collection method: clinical testing. Allele origin: germline.
Comment: This variant is classified as likely benign based on ACMG/AMP sequence variant interpretation guidelines (Richards et al. 2015 PMID: 25741868, with internal and published modifications).

NM_001242957.3(MAK):c.1465+10G>A

Gene: MAK (male germ cell associated kinase; minus strand). Cytogenetic location: 6p24.2.
Variant type: single nucleotide variant.
Coding change: c.1465+10G>A on transcript NM_001242957.3 (MANE Select); 10 bases into the intron after coding-DNA position 1465, G replaced by A.
Molecular consequence: intron variant.
Genome position (GRCh38, 1-based): chr6:10,784,414, C>T on the plus strand (G>A on the coding strand, the complement: MAK is on the minus strand). VCF-style: chr6-10784414-C-T. GRCh37 (hg19) VCF-style: chr6-10784647-C-T.
Other names: c.1465+10G>A (NM_001242957.2, NM_005906.6, NM_001242385.2); c.1363+10G>A (NM_001377262.1).
Identifiers: ClinVar variation 1132700 (VCV001132700.10), dbSNP rs913707707, ClinGen allele CA134107665.
Genomic context (GRCh38, chr6:10,784,414, plus strand): 5'-ATTCCAAGACACTTGAACCTGACCTATCTATACTCTAGTTAGCAGCAAACATTTTCTTTG[C>T]TCTACTTACCTGGAAGATATCTTGATTGTTTCAAGTAGTACTGTTTAGAGGTTGGAGCAG-3'